The following is an entry in ClinVar:

ClinVar aggregate classification (germline): Uncertain significance (1 of 4 stars; one submission).

Conditions:
Primary ciliary dyskinesia. Also called: Ciliary dyskinesia. Identifiers: Orphanet 244, MedGen C0008780, MONDO:0016575, HP:0012265.

Allele frequency attached by ClinVar (database versions not stated): TOPMed 0.00001; gnomAD 0.00002.
gnomAD v4.1: 3 of 1,610,886 alleles (0.00019%); highest among the groups gnomAD compares: African/African-American, 0.004%; no homozygotes.

Submission:

Labcorp Genetics (formerly Invitae), Labcorp
Classification: Uncertain significance for Primary ciliary dyskinesia. Last evaluated: 2022-06-22. Review status: criteria provided, single submitter. Criteria: Invitae Variant Classification Sherloc (09022015). Collection method: clinical testing. Allele origin: germline.
Comment: In summary, the available evidence is currently insufficient to determine the role of this variant in disease. Therefore, it has been classified as a Variant of Uncertain Significance. Algorithms developed to predict the effect of missense changes on protein structure and function output the following: SIFT: "Tolerated"; PolyPhen-2: "Benign"; Align-GVGD: "Class C0". The aspartic acid amino acid residue is found in multiple mammalian species, which suggests that this missense change does not adversely affect protein function. This variant is present in population databases (no rsID available, gnomAD 0.02%). This sequence change replaces alanine, which is neutral and non-polar, with aspartic acid, which is acidic and polar, at codon 594 of the DNAAF3 protein (p.Ala594Asp). This variant has not been reported in the literature in individuals affected with DNAAF3-related conditions.

NM_001256715.2(DNAAF3):c.1580C>A (p.Ala527Asp)

Gene: DNAAF3 (dynein axonemal assembly factor 3; minus strand). Cytogenetic location: 19q13.42.
Variant type: single nucleotide variant.
Coding change: c.1580C>A on transcript NM_001256715.2 (MANE Select); coding-DNA position 1580, C replaced by A.
Protein change: p.Ala527Asp; replaces alanine 527 with aspartic acid.
Molecular consequence: missense variant.
Genome position (GRCh38, 1-based): chr19:55,159,108, G>T on the plus strand (C>A on the coding strand, the complement: DNAAF3 is on the minus strand). VCF-style: chr19-55159108-G-T. GRCh37 (hg19) VCF-style: chr19-55670476-G-T.
Other names: c.1781C>A, p.Ala594Asp (NM_001256714.1); c.1418C>A, p.Ala473Asp (NM_001256716.2); c.1721C>A, p.Ala574Asp (NM_178837.4); short protein forms A594D, A473D, A527D, A574D.
Identifiers: ClinVar variation 2009488 (VCV002009488.4), dbSNP rs1160280127, ClinGen allele CA407444552.